The following is an entry in ClinVar:

ClinVar aggregate classification (germline): Uncertain significance (1 of 4 stars; one submission).

Submission:

Labcorp Genetics (formerly Invitae), Labcorp
Classification: Uncertain significance. Last evaluated: 2023-01-06. Review status: criteria provided, single submitter. Criteria: Invitae Variant Classification Sherloc (09022015). Collection method: clinical testing. Allele origin: germline.
Comment: This variant has not been reported in the literature in individuals affected with RFWD3-related conditions. This variant is not present in population databases (gnomAD no frequency). This sequence change affects the initiator methionine of the RFWD3 mRNA. The next in-frame methionine is located at codon 6. Experimental studies and prediction algorithms are not available or were not evaluated, and the functional significance of this variant is currently unknown. In summary, the available evidence is currently insufficient to determine the role of this variant in disease. Therefore, it has been classified as a Variant of Uncertain Significance.

NM_018124.4(RFWD3):c.3G>A (p.Met1Ile)

Gene: RFWD3 (ring finger and WD repeat domain 3; minus strand). Cytogenetic location: 16q23.1.
Variant type: single nucleotide variant.
Coding change: c.3G>A on transcript NM_018124.4 (MANE Select); coding-DNA position 3, G replaced by A.
Protein change: p.Met1Ile; changes the start codon (methionine 1).
Molecular consequence: missense variant, initiator codon variant. On other transcripts: 5 prime UTR variant (4), intron variant (1).
Genome position (GRCh38, 1-based): chr16:74,661,447, C>T on the plus strand (G>A on the coding strand, the complement: RFWD3 is on the minus strand). VCF-style: chr16-74661447-C-T. GRCh37 (hg19) VCF-style: chr16-74695345-C-T.
Other names: c.3G>A, p.Met1Ile (NM_001370534.1, NM_001370535.1, NM_001370536.1); c.-1006G>A (NM_001370537.1); c.-629G>A (NM_001370539.1, NM_001370541.1); c.-883G>A (NM_001370542.1); c.-761G>A (NM_001370543.1); c.-317+3177G>A (NM_001370540.1); short protein forms M1I.
Identifiers: ClinVar variation 2878997 (VCV002878997.3), dbSNP rs2544145539, ClinGen allele CA396764813.